The following is an entry in ClinVar:

NM_000384.3(APOB):c.9491C>T (p.Thr3164Met)

Gene: APOB (apolipoprotein B; minus strand). Cytogenetic location: 2p24.1.
Variant type: single nucleotide variant.
Coding change: c.9491C>T on transcript NM_000384.3 (MANE Select); coding-DNA position 9491, C replaced by T.
Protein change: p.Thr3164Met; replaces threonine 3164 with methionine.
Molecular consequence: missense variant.
Genome position (GRCh38, 1-based): chr2:21,007,377, G>A on the plus strand (C>T on the coding strand, the complement: APOB is on the minus strand). VCF-style: chr2-21007377-G-A. GRCh37 (hg19) VCF-style: chr2-21230249-G-A.
Other names: short protein forms T3164M.
Identifiers: ClinVar variation 334112 (VCV000334112.23), dbSNP rs143269114, ClinGen allele CA066591.

ClinVar aggregate classification (germline): Conflicting classifications of pathogenicity. Review status: criteria provided, conflicting classifications (1 of 4 stars). 10 submissions from 9 submitters: Uncertain significance (7); Benign (1); Likely benign (1). 1 of the submissions does not count toward it. Last evaluated 2025-12-31.

Conditions:
Familial hypobetalipoproteinemia 1. Also called: Hypobetalipoproteinemia, normotriglyceridemic; Acanthocytosis with hypobetalipoproteinemia; APOB-Related Familial Hypobetalipoproteinemia. Identifiers: MedGen C4551990, MONDO:0014252, OMIM 615558.
Hypercholesterolemia, autosomal dominant, type B (FHCL2). Also called: Familial Hypercholesterolemia Type B; APOLIPOPROTEIN B-100, FAMILIAL DEFECTIVE; APOLIPOPROTEIN B-100, FAMILIAL LIGAND-DEFECTIVE; HYPERCHOLESTEROLEMIA, FAMILIAL, DUE TO LIGAND-DEFECTIVE APOLIPOPROTEIN B; APOB-Related Familial Hypercholesterolemia, Autosomal Dominant; Familial hypercholesterolemia 2. Identifiers: MedGen C1704417, MONDO:0007751, OMIM 144010.
APOB-related disorder. Also called: APOB-related condition; APOB-related disorders.
Cardiovascular phenotype. Identifiers: MedGen CN230736.
Familial hypercholesterolemia. Also called: Familial hypercholesterolemias; Familial hypercholesterolaemia. Identifiers: MedGen C0020445, MONDO:0005439.

Allele frequency attached by ClinVar (database versions not stated): gnomAD 0.00007 and 0.00008; ESP Exome Variant Server 0.00008; TOPMed 0.00008; gnomAD exomes 0.00012; ExAC 0.00016; 1000 Genomes Project 30x 0.00047; 1000 Genomes Project 0.00060.
gnomAD v4.1: 101 of 1,613,900 alleles (0.0063%); highest among the groups gnomAD compares: East Asian, 0.04%; no homozygotes.

Submissions (10):

Labcorp Genetics (formerly Invitae), Labcorp
Classification: Likely benign for Familial hypobetalipoproteinemia 1; Hypercholesterolemia, autosomal dominant, type B. Last evaluated: 2025-12-31. Review status: criteria provided, single submitter. Criteria: Invitae Variant Classification Sherloc (09022015). Collection method: clinical testing. Allele origin: germline.

Cambridge Genomics Laboratory, East Genomic Laboratory Hub, NHS Genomic Medicine Service
Classification: Uncertain significance for Familial hypercholesterolaemia. Last evaluated: 2025-07-10. Review status: criteria provided, single submitter. Criteria: ACGS Best Practice Guidelines for Variant Classification in Rare Disease 2020. Collection method: clinical testing. Allele origin: germline. Affected: yes.
Comment: The rare missense variant c.9491C>T p.(Thr3164Met) in the APOB gene has so far only been reported for few individuals affected with familial hypercholesterolemia (Junna et al. 2023, Atherosclerosis 386:117327). Due to the scarcity of available data, the variant is classified as a variant of uncertain significance.

Ambry Genetics
Classification: Benign for Cardiovascular phenotype. Last evaluated: 2024-11-18. Review status: criteria provided, single submitter. Criteria: Ambry Variant Classification Scheme 2023. Collection method: clinical testing. Allele origin: germline.

Blueprint Genetics
Classification: Uncertain significance. Last evaluated: 2024-09-11. Review status: criteria provided, single submitter. Criteria: ACMG Guidelines, 2015. Collection method: clinical testing. Allele origin: germline.

GeneDx
Classification: Uncertain significance. Last evaluated: 2023-01-23. Review status: criteria provided, single submitter. Criteria: GeneDx Variant Classification Process June 2021. Collection method: clinical testing. Allele origin: germline. Affected: yes.
Comment: Reported among a cohort of individuals with nonalcoholic fatty liver disease and hepatocellular carcinoma (Pelusi et al., 2019); In silico analysis supports that this missense variant has a deleterious effect on protein structure/function; Also known as p.(T3137M); This variant is associated with the following publications: (PMID: 30076208, 30842500)

PreventionGenetics, part of Exact Sciences
Classification: Uncertain significance for APOB-related condition. Last evaluated: 2022-08-29. Review status: criteria provided, single submitter. Criteria: ACMG Guidelines, 2015. Collection method: clinical testing. Allele origin: germline.
Comment: The APOB c.9491C>T variant is predicted to result in the amino acid substitution p.Thr3164Met. This variant has been reported in an individual with Hepatocellular carcinoma, in nonalcoholic fatty liver disease (Pelusi et al. 2019. PubMed ID: 30842500. Suppl. data). This variant is reported in 0.050% of alleles in individuals of East Asian descent in gnomAD. At this time, the clinical significance of this variant is uncertain due to the absence of conclusive functional and genetic evidence.

Fulgent Genetics
Classification: Uncertain significance for Hypercholesterolemia, autosomal dominant, type B; Familial hypobetalipoproteinemia 1. Last evaluated: 2021-10-07. Review status: criteria provided, single submitter. Criteria: ACMG Guidelines, 2015. Collection method: clinical testing. Allele origin: unknown.

Illumina Laboratory Services, Illumina
Classification: Uncertain significance for Familial hypobetalipoproteinemia 1. Last evaluated: 2018-01-13. Review status: criteria provided, single submitter. Criteria: ICSL Variant Classification Criteria 13 December 2019. Collection method: clinical testing. Allele origin: germline.

Illumina Laboratory Services, Illumina
Classification: Uncertain significance for Hypercholesterolemia, autosomal dominant, type B. Last evaluated: 2018-01-13. Review status: criteria provided, single submitter. Criteria: ICSL Variant Classification Criteria 13 December 2019. Collection method: clinical testing. Allele origin: germline.

Metabolic Liver Diseases Lab, Fondazione IRCCS Ca Granda Policlinico, University of Milan
Classification: Likely pathogenic for Familial hypobetalipoproteinemia 1. Last evaluated: 2018-12-01. Review status: no assertion criteria provided. Collection method: case-control. Allele origin: germline. Affected: yes. Observed: 1 variant allele. Not counted in ClinVar's aggregate classification.

Literature cited by the submitters: PubMed 37848354 (cited by Ambry Genetics); PubMed 30842500 (cited by Metabolic Liver Diseases Lab, Fondazione IRCCS Ca Granda Policlinico, University of Milan).